The following is an entry in ClinVar:

ClinVar aggregate classification (germline): Uncertain significance (1 of 4 stars; one submission).

Submission:

Labcorp Genetics (formerly Invitae), Labcorp
Classification: Uncertain significance. Last evaluated: 2023-11-04. Review status: criteria provided, single submitter. Criteria: Invitae Variant Classification Sherloc (09022015). Collection method: clinical testing. Allele origin: germline.
Comment: This sequence change replaces methionine, which is neutral and non-polar, with threonine, which is neutral and polar, at codon 723 of the CTNNA1 protein (p.Met723Thr). This variant is not present in population databases (gnomAD no frequency). This variant has not been reported in the literature in individuals affected with CTNNA1-related conditions. Advanced modeling of protein sequence and biophysical properties (such as structural, functional, and spatial information, amino acid conservation, physicochemical variation, residue mobility, and thermodynamic stability) performed at Invitae indicates that this missense variant is expected to disrupt CTNNA1 protein function with a positive predictive value of 80%. In summary, the available evidence is currently insufficient to determine the role of this variant in disease. Therefore, it has been classified as a Variant of Uncertain Significance.

NM_001903.5(CTNNA1):c.2168T>C (p.Met723Thr)

Gene: CTNNA1 (catenin alpha 1; plus strand). Cytogenetic location: 5q31.2.
Variant type: single nucleotide variant.
Coding change: c.2168T>C on transcript NM_001903.5 (MANE Select); coding-DNA position 2168, T replaced by C.
Protein change: p.Met723Thr; replaces methionine 723 with threonine.
Molecular consequence: missense variant.
Genome position (GRCh38, 1-based): chr5:138,930,630, T>C. VCF-style: chr5-138930630-T-C. GRCh37 (hg19) VCF-style: chr5-138266319-T-C.
Other names: c.1058T>C, p.Met353Thr (NM_001323988.1, NM_001323989.1, NM_001323990.1 and 17 more transcripts); c.2168T>C, p.Met723Thr (NM_001290307.3, NM_001323982.2, NM_001323983.1 and 2 more transcripts); c.1859T>C, p.Met620Thr (NM_001290309.3); c.1799T>C, p.Met600Thr (NM_001290310.3); c.2075T>C, p.Met692Thr (NM_001323986.2); c.719T>C, p.Met240Thr (NM_001324006.1, NM_001324007.1, NM_001324008.1 and 2 more transcripts); c.965T>C, p.Met322Thr (NM_001324011.1); c.815T>C, p.Met272Thr (NM_001324012.1, NM_001324013.1); short protein forms M620T, M692T, M272T, M600T, M240T, M322T, M353T, M723T.
Identifiers: ClinVar variation 2902667 (VCV002902667.3), dbSNP rs2533851241, ClinGen allele CA361133670.
Genomic context (GRCh38, chr5:138,930,630, plus strand): 5'-CCAAATGGGACGACAGTGGCAATGACATCATTGTGCTGGCCAAGCAGATGTGCATGATTA[T>C]GATGGAGATGACAGACTTTACCCGGTGAGCAGCACCCCGGCCCCACCAGGCTGCACAGGG-3'
Protein context (NP_001894.2, residues 713-733): IVLAKQMCMI[Met723Thr]MEMTDFTRGK